The following is an entry in ClinVar:

NM_001101.5(ACTB):c.63C>T (p.Phe21=)

Gene: ACTB (actin beta; minus strand). Cytogenetic location: 7p22.1.
Variant type: single nucleotide variant.
Coding change: c.63C>T on transcript NM_001101.5 (MANE Select); coding-DNA position 63, C replaced by T.
Protein change: p.Phe21=; no amino-acid change (phenylalanine 21 retained).
Molecular consequence: synonymous variant.
Genome position (GRCh38, 1-based): chr7:5,529,595, G>A on the plus strand (C>T on the coding strand, the complement: ACTB is on the minus strand). VCF-style: chr7-5529595-G-A. GRCh37 (hg19) VCF-style: chr7-5569226-G-A.
Other names: c.63C>T (LRG_132t1).
Identifiers: ClinVar variation 516166 (VCV000516166.11), dbSNP rs370972197, ClinGen allele CA4147203.
Genomic context (GRCh38, chr7:5,529,595, plus strand): 5'-CTGGTGCCTGGGGCGCCCCACGATGGAGGGGAAGACGGCCCGGGGGGCATCGTCGCCCGC[G>A]AAGCCGGCCTTGCACATGCCGGAGCCGTTGTCGACGACGAGCGCGGCGATATCATCATCC-3'
Protein context (NP_001092.1, residues 11-31): DNGSGMCKAG[Phe21=]AGDDAPRAVF

ClinVar aggregate classification (germline): Likely benign. Review status: criteria provided, multiple submitters, no conflicts (2 of 4 stars). 3 submissions from 3 submitters: Likely benign (3). Last evaluated 2024-04-30.

Conditions:
Baraitser-Winter syndrome 1 (BRWS1). Also called: PACHYGYRIA, MENTAL RETARDATION, EPILEPSY, AND CHARACTERISTIC FACIES; BARAITSER-WINTER SYNDROME 1, ATYPICAL; MENTAL RETARDATION WITH EPILEPSY AND CHARACTERISTIC FACIES; Cerebrofrontofacial syndrome. Identifiers: Orphanet 2649, Orphanet 2995, MedGen C1855722, MONDO:0009470, OMIM 243310.
Developmental malformations-deafness-dystonia syndrome (DDS1). Identifiers: Orphanet 79107, MedGen C5848323, MONDO:0011823, OMIM 607371.

Allele frequency attached by ClinVar (database versions not stated): gnomAD 0.00001; gnomAD exomes 0.00001 and 0.00002; ExAC 0.00002; TOPMed 0.00003; ESP Exome Variant Server 0.00008.
gnomAD v4.1: 28 of 1,611,402 alleles (0.0017%); highest among the groups gnomAD compares: African/African-American, 0.004%; no homozygotes.

Submissions (3):

Labcorp Genetics (formerly Invitae), Labcorp
Classification: Likely benign for Baraitser-Winter syndrome 1. Last evaluated: 2024-04-30. Review status: criteria provided, single submitter. Criteria: Invitae Variant Classification Sherloc (09022015). Collection method: clinical testing. Allele origin: germline.

Fulgent Genetics
Classification: Likely benign for Baraitser-Winter syndrome 1; Developmental malformations-deafness-dystonia syndrome. Last evaluated: 2021-12-03. Review status: criteria provided, single submitter. Criteria: ACMG Guidelines, 2015. Collection method: clinical testing. Allele origin: unknown.

GeneDx
Classification: Likely benign. Last evaluated: 2017-10-04. Review status: criteria provided, single submitter. Criteria: GeneDx Variant Classification (06012015). Collection method: clinical testing. Allele origin: germline. Affected: yes.
Comment: This variant is considered likely benign or benign based on one or more of the following criteria: it is a conservative change, it occurs at a poorly conserved position in the protein, it is predicted to be benign by multiple in silico algorithms, and/or has population frequency not consistent with disease.